The following is an entry in ClinVar:

NM_000501.4(ELN):c.380C>T (p.Ala127Val)

Gene: ELN (elastin; plus strand). Cytogenetic location: 7q11.23.
Variant type: single nucleotide variant.
Coding change: c.380C>T on transcript NM_000501.4 (MANE Select); coding-DNA position 380, C replaced by T.
Protein change: p.Ala127Val; replaces alanine 127 with valine.
Molecular consequence: missense variant.
Genome position (GRCh38, 1-based): chr7:74,043,121, C>T. VCF-style: chr7-74043121-C-T. GRCh37 (hg19) VCF-style: chr7-73457451-C-T.
Other names: c.350C>T, p.Ala117Val (NM_001081752.3, NM_001278917.2, NM_001278918.2); c.395C>T, p.Ala132Val (NM_001081753.3, NM_001081754.3); c.380C>T, p.Ala127Val (NM_001081755.3, NM_001278912.2, NM_001278915.2 and 2 more transcripts); c.344C>T, p.Ala115Val (NM_001278913.2); c.365C>T, p.Ala122Val (NM_001278914.2); short protein forms A115V, A117V, A122V, A127V, A132V.
Identifiers: ClinVar variation 4754845 (VCV004754845.1).

ClinVar aggregate classification (germline): Uncertain significance (1 of 4 stars; one submission).

Conditions:
Supravalvar aortic stenosis (SVAS). Also called: Supravalvar aortic stenosis, Eisenberg type. Identifiers: Orphanet 3193, MedGen C0003499, MONDO:0008504, OMIM 185500, HP:0004381.

gnomAD v4.1: 16 of 1,613,372 alleles (0.00099%); highest among the groups gnomAD compares: Admixed American, 0.0067%; no homozygotes.

Submission:

Labcorp Genetics (formerly Invitae), Labcorp
Classification: Uncertain significance for Supravalvar aortic stenosis. Last evaluated: 2025-12-03. Review status: criteria provided, single submitter. Criteria: Invitae Variant Classification Sherloc (09022015). Collection method: clinical testing. Allele origin: germline.
Comment: This sequence change replaces alanine, which is neutral and non-polar, with valine, which is neutral and non-polar, at codon 127 of the ELN protein (p.Ala127Val). This variant is present in population databases (rs782246803, gnomAD 0.009%). This variant has not been reported in the literature in individuals affected with ELN-related conditions. Invitae Evidence Modeling of protein sequence and biophysical properties (such as structural, functional, and spatial information, amino acid conservation, physicochemical variation, residue mobility, and thermodynamic stability) indicates that this missense variant is not expected to disrupt ELN protein function with a negative predictive value of 80%. In summary, the available evidence is currently insufficient to determine the role of this variant in disease. Therefore, it has been classified as a Variant of Uncertain Significance.